The following is an entry in ClinVar:

NM_001267550.2(TTN):c.82171T>C (p.Trp27391Arg)

Genes: TTN-AS1 (TTN antisense RNA 1; plus strand), TTN (titin; minus strand). Cytogenetic location: 2q31.2.
Variant type: single nucleotide variant.
Coding change: c.82171T>C on transcript NM_001267550.2 (MANE Select); coding-DNA position 82171, T replaced by C.
Protein change: p.Trp27391Arg; replaces tryptophan 27391 with arginine.
Molecular consequence: missense variant.
Genome position (GRCh38, 1-based): chr2:178,563,961, A>G on the plus strand (T>C on the coding strand, the complement: TTN is on the minus strand). VCF-style: chr2-178563961-A-G. GRCh37 (hg19) VCF-style: chr2-179428688-A-G.
Other names: c.77248T>C, p.Trp25750Arg (NM_001256850.1); c.54976T>C, p.Trp18326Arg (NM_003319.4); c.74467T>C, p.Trp24823Arg (NM_133378.4); c.55351T>C, p.Trp18451Arg (NM_133432.3); c.55552T>C, p.Trp18518Arg (NM_133437.4); short protein forms W27391R, W24823R, W18326R, W18451R, W18518R, W25750R.
Identifiers: ClinVar variation 467541 (VCV000467541.13), dbSNP rs778983249, ClinGen allele CA1989109.

ClinVar aggregate classification (germline): Uncertain significance. Review status: criteria provided, multiple submitters, no conflicts (2 of 4 stars). 5 submissions from 5 submitters: Uncertain significance (5). Last evaluated 2019-11-14.

Conditions:
Autosomal recessive limb-girdle muscular dystrophy type 2J (LGMDR10). Also called: Limb-girdle muscular dystrophy, type 2J; MUSCULAR DYSTROPHY, LIMB-GIRDLE, AUTOSOMAL RECESSIVE 10. Identifiers: Orphanet 140922, MedGen C1837342, MONDO:0012127, OMIM 608807.
Dilated cardiomyopathy 1G (CMD1G). Identifiers: Orphanet 154, MedGen C1858763, MONDO:0011400, OMIM 604145.
Cardiovascular phenotype. Identifiers: MedGen CN230736.

Allele frequency attached by ClinVar (database versions not stated): gnomAD exomes below 0.00001 and 0.00001; TOPMed below 0.00001; ExAC 0.00001.
gnomAD v4.1: 7 of 1,613,684 alleles (0.00043%); highest among the groups gnomAD compares: South Asian, 0.0011%; no homozygotes.

Submissions (5):

GeneDx
Classification: Uncertain significance. Last evaluated: 2019-11-14. Review status: criteria provided, single submitter. Criteria: GeneDx Variant Classification Process June 2021. Collection method: clinical testing. Allele origin: germline. Affected: yes.
Comment: Not observed at a significant frequency in large population cohorts (Lek et al., 2016); Missense variant in a gene in which most reported pathogenic variants are truncating/loss-of-function; Has not been previously published as pathogenic or benign to our knowledge

Revvity Omics, Revvity
Classification: Uncertain significance. Last evaluated: 2019-07-03. Review status: criteria provided, single submitter. Criteria: ACMG Guidelines, 2015. Collection method: clinical testing. Allele origin: germline.

Ambry Genetics
Classification: Uncertain significance for Cardiovascular phenotype. Last evaluated: 2019-01-28. Review status: criteria provided, single submitter. Criteria: Ambry Variant Classification Scheme 2023. Collection method: clinical testing. Allele origin: germline.
Comment: The p.W18326R variant (also known as c.54976T>C), located in coding exon 153 of the TTN gene, results from a T to C substitution at nucleotide position 54976. The tryptophan at codon 18326 is replaced by arginine, an amino acid with dissimilar properties. This amino acid position is highly conserved in available vertebrate species. In addition, this alteration is predicted to be deleterious by in silico analysis. Since supporting evidence is limited at this time, the clinical significance of this alteration remains unclear.

Labcorp Genetics (formerly Invitae), Labcorp
Classification: Uncertain significance for Dilated cardiomyopathy 1G; Autosomal recessive limb-girdle muscular dystrophy type 2J. Last evaluated: 2017-12-22. Review status: criteria provided, single submitter. Criteria: Invitae Variant Classification Sherloc (09022015). Collection method: clinical testing. Allele origin: germline.

Eurofins Ntd Llc (ga)
Classification: Uncertain significance. Last evaluated: 2017-06-02. Review status: criteria provided, single submitter. Criteria: EGL Classification Definitions 2015. Collection method: clinical testing. Allele origin: germline. Observed: 3 variant alleles, 3 heterozygotes.